The following is an entry in ClinVar:

NM_015166.4(MLC1):c.322-12_322-8del

Gene: MLC1 (modulator of VRAC current 1; minus strand). Cytogenetic location: 22q13.33.
Variant type: Deletion.
Coding change: c.322-12_322-8del on transcript NM_015166.4 (MANE Select); 12 bases into the intron before coding-DNA position 322 through 8 bases into the intron before coding-DNA position 322, 5 bases deleted (CTTGT; older notation c.322-12_322-8delCTTGT).
Molecular consequence: intron variant.
Genome position (GRCh38, 1-based): chr22:50,080,027-50,080,031, ACAAG deleted on the plus strand (CTTGT on the coding strand, the reverse complement: MLC1 is on the minus strand). VCF-style (leftmost placement, unchanged base first): chr22-50080026-AACAAG-A. GRCh37 (hg19) VCF-style: chr22-50518455-AACAAG-A.
Other names: c.322-12_322-8del (NM_001376474.1, NM_001376475.1, NM_001376476.1 and 6 more transcripts); c.85-12_85-8del (NM_001376484.1); c.232-12_232-8del (NM_001376480.1); c.268-2529_268-2525del (NM_001376482.1, NM_001376483.1); c.321+313_321+317del (NM_001376481.1).
Identifiers: ClinVar variation 4759479 (VCV004759479.1).

ClinVar aggregate classification (germline): Uncertain significance (1 of 4 stars; one submission).

Conditions:
Megalencephalic leukoencephalopathy with subcortical cysts 1 (MLC1). Also called: LEUKOENCEPHALOPATHY WITH SWELLING AND CYSTS; VACUOLATING MEGALENCEPHALIC LEUKOENCEPHALOPATHY WITH SUBCORTICAL CYSTS. Identifiers: Orphanet 2478, MedGen C5779875, MONDO:0024555, OMIM 604004.

Submission:

Illumina Laboratory Services, Illumina
Classification: Uncertain significance for Megalencephalic leukoencephalopathy with subcortical cysts 1. Last evaluated: 2023-10-04. Review status: criteria provided, single submitter. Criteria: ISL SNV Classification Criteria 03 February 2026. Collection method: clinical testing. Allele origin: unknown.
Comment: The MLC1 c.322-12_322-8del variant occurs in a splice region. To our knowledge, this variant has not been reported in the peer-reviewed literature. The c.322-12_322-8del variant is not observed in version 2.1.1 or version 3.1.2 of the Genome Aggregation Database. Multiple lines of computational evidence suggest this variant may impact splicing. Based on the available evidence, the c.322-12_322-8del variant is classified as a variant of uncertain significance for megalencephalic leukoencephalopathy with subcortical cysts.